The following is an entry in ClinVar:

NM_052947.4(ALPK2):c.5338A>C (p.Lys1780Gln)

Genes: ALPK2 (alpha kinase 2; minus strand), LOC130062577 (ATAC-STARR-seq lymphoblastoid active region 13389; plus strand). Cytogenetic location: 18q21.31.
Variant type: single nucleotide variant.
Coding change: c.5338A>C on transcript NM_052947.4 (MANE Select); coding-DNA position 5338, A replaced by C.
Protein change: p.Lys1780Gln; replaces lysine 1780 with glutamine.
Molecular consequence: missense variant.
Genome position (GRCh38, 1-based): chr18:58,534,849, T>G on the plus strand (A>C on the coding strand, the complement: ALPK2 is on the minus strand). VCF-style: chr18-58534849-T-G. GRCh37 (hg19) VCF-style: chr18-56202081-T-G.
Other names: short protein forms K1780Q.
Identifiers: ClinVar variation 1746907 (VCV001746907.3), dbSNP rs1012296926, ClinGen allele CA402556930.
Genomic context (GRCh38, chr18:58,534,849, plus strand): 5'-TACAAGCCCAAACTTTAACAATGATGGACAGCAACAGAACCTCACCTCTTCCTTCTCTTT[T>G]GCAAGATGGCTTTTTTGGGTCTTGTTTCTCTTCTGTGTGTGATAATGATGTTTCGAGTTT-3'
Protein context (NP_443179.3, residues 1770-1790): EKQDPKKPSC[Lys1780Gln]REGRAPVLLK

ClinVar aggregate classification (germline): Uncertain significance (1 of 4 stars; one submission).

Allele frequency attached by ClinVar (database versions not stated): TOPMed below 0.00001.
gnomAD v4.1: 2 of 1,609,068 alleles (0.00012%); highest among the groups gnomAD compares: Admixed American, 0.0017%; no homozygotes.

Submission:

Ambry Genetics
Classification: Uncertain significance. Last evaluated: 2024-05-08. Review status: criteria provided, single submitter. Criteria: Ambry Variant Classification Scheme 2023. Collection method: clinical testing. Allele origin: germline.
Comment: The p.K1780Q variant (also known as c.5338A>C), located in coding exon 4 of the ALPK2 gene, results from an A to C substitution at nucleotide position 5338. The lysine at codon 1780 is replaced by glutamine, an amino acid with similar properties. This amino acid position is conserved. In addition, this alteration is predicted to be tolerated by in silico analysis. Since supporting evidence is limited at this time, the clinical significance of this alteration remains unclear.